The following is an entry in ClinVar:

ClinVar aggregate classification (germline): Likely benign (1 of 4 stars; one submission).

gnomAD v4.1: 71 of 1,613,554 alleles (0.0044%); highest among the groups gnomAD compares: African/African-American, 0.091%; no homozygotes.

Submission:

CeGaT Center for Human Genetics Tuebingen
Classification: Likely benign. Last evaluated: 2026-03-01. Review status: criteria provided, single submitter. Criteria: CeGaT Center For Human Genetics Tuebingen Variant Classification Criteria Version 2. Collection method: clinical testing. Allele origin: germline. Affected: yes. Observed: 1 variant allele.
Comment: ARVCF: BP4, BP7

NM_001670.3(ARVCF):c.1956C>T (p.Ala652=)

Gene: ARVCF (ARVCF delta catenin family member; minus strand). Cytogenetic location: 22q11.21.
Variant type: single nucleotide variant.
Coding change: c.1956C>T on transcript NM_001670.3 (MANE Select); coding-DNA position 1956, C replaced by T.
Protein change: p.Ala652=; no amino-acid change (alanine 652 retained).
Molecular consequence: synonymous variant.
Genome position (GRCh38, 1-based): chr22:19,975,690, G>A on the plus strand (C>T on the coding strand, the complement: ARVCF is on the minus strand). VCF-style: chr22-19975690-G-A. GRCh37 (hg19) VCF-style: chr22-19963213-G-A.
Other names: c.1749C>T, p.Ala583= (NM_001410839.1, NM_001438683.1, NM_001438694.1); c.1938C>T, p.Ala646= (NM_001438684.1, NM_001438690.1); c.1923C>T, p.Ala641= (NM_001438685.1, NM_001438693.1); c.1956C>T, p.Ala652= (NM_001438687.1).
Identifiers: ClinVar variation 4822102 (VCV004822102.4).